The following is an entry in ClinVar:

NM_001009944.3(PKD1):c.7561C>T (p.His2521Tyr)

Gene: PKD1 (polycystin 1, transient receptor potential channel interacting; minus strand). Cytogenetic location: 16p13.3.
Variant type: single nucleotide variant.
Coding change: c.7561C>T on transcript NM_001009944.3 (MANE Select); coding-DNA position 7561, C replaced by T.
Protein change: p.His2521Tyr; replaces histidine 2521 with tyrosine.
Molecular consequence: missense variant.
Genome position (GRCh38, 1-based): chr16:2,106,233, G>A on the plus strand (C>T on the coding strand, the complement: PKD1 is on the minus strand). VCF-style: chr16-2106233-G-A. GRCh37 (hg19) VCF-style: chr16-2156234-G-A.
Other names: c.7561C>T, p.His2521Tyr (NM_000296.4); short protein forms H2521Y.
Identifiers: ClinVar variation 3780299 (VCV003780299.11).
Genomic context (GRCh38, chr16:2,106,233, plus strand): 5'-GGGGCAGCACGGCTCCGTAGCTGGAGAGGCTGCCCTTGTAGACACAGAACTCCTCGCAGT[G>A]GCCCTGGCGACAGCGCCGCAGCAGCAGGGCGTACACCAGCGGGGCGCCAGCATCCTCCGC-3'
Protein context (NP_001009944.3, residues 2511-2531): ALLLRRCRQG[His2521Tyr]CEEFCVYKGS

ClinVar aggregate classification (germline): Uncertain significance. Review status: criteria provided, multiple submitters, no conflicts (2 of 4 stars). 2 submissions from 2 submitters: Uncertain significance (2). Last evaluated 2025-12-01.

Conditions:
Polycystic kidney disease, adult type (PKD1). Also called: Polycystic Kidney Disease 1, Autosomal Dominant; Polycystic kidney disease 1; Polycystic kidney disease 1, severe; Polycystic Kidney, Autosomal Dominant; POLYCYSTIC KIDNEY DISEASE 1 WITH OR WITHOUT POLYCYSTIC LIVER DISEASE; POLYCYSTIC KIDNEY DISEASE, ADULT, TYPE I. Identifiers: MedGen C3149841, MONDO:0008263, OMIM 173900.

gnomAD v4.1: 29 of 1,610,258 alleles (0.0018%); highest among the groups gnomAD compares: East Asian, 0.0022%; no homozygotes.

Submissions (2):

CeGaT Center for Human Genetics Tuebingen
Classification: Uncertain significance. Last evaluated: 2025-12-01. Review status: criteria provided, single submitter. Criteria: CeGaT Center For Human Genetics Tuebingen Variant Classification Criteria Version 2. Collection method: clinical testing. Allele origin: germline. Affected: yes. Observed: 1 variant allele.
Comment: PKD1: PM2, BP4

Department of Pathology and Laboratory Medicine, Sinai Health System
Classification: Uncertain significance for Polycystic kidney disease, adult type. Last evaluated: 2019-03-02. Review status: criteria provided, single submitter. Criteria: ACMG Guidelines, 2015. Collection method: clinical testing. Allele origin: germline. Affected: yes.